The following is an entry in ClinVar:

NM_000043.6(FAS):c.403del (p.Cys135fs)

Gene: FAS (Fas cell surface death receptor; plus strand). Cytogenetic location: 10q23.31.
Variant type: Deletion.
Coding change: c.403del on transcript NM_000043.6 (MANE Select); coding-DNA position 403, one base deleted (T; older notation c.403delT).
Protein change: p.Cys135fs; shifts the reading frame from cysteine 135.
Molecular consequence: frameshift variant. On other transcripts: non-coding transcript variant (1).
Genome position (GRCh38, 1-based): chr10:89,008,957, T deleted; the last of 7 consecutive T bases (chr10:89,008,951-89,008,957); deleting any one gives the same sequence. VCF-style (leftmost placement, unchanged base first): chr10-89008950-CT-C. GRCh37 (hg19) VCF-style: chr10-90768707-CT-C.
Other names: c.403del, p.Cys135fs (NM_001320619.2, NM_152871.4, NM_152872.4); short protein forms C135fs.
Identifiers: ClinVar variation 1455090 (VCV001455090.4), dbSNP rs1564692984, ClinGen allele CA470729992.

ClinVar aggregate classification (germline): Pathogenic (1 of 4 stars; one submission).

Conditions:
Autoimmune lymphoproliferative syndrome type 1. Also called: AUTOIMMUNE LYMPHOPROLIFERATIVE SYNDROME, TYPE I, AUTOSOMAL DOMINANT. Identifiers: Orphanet 3261, MedGen C2717884, MONDO:0011158, OMIM 601859.

Submission:

Labcorp Genetics (formerly Invitae), Labcorp
Classification: Pathogenic for Autoimmune lymphoproliferative syndrome. Last evaluated: 2021-06-29. Review status: criteria provided, single submitter. Criteria: Invitae Variant Classification Sherloc (09022015). Collection method: clinical testing. Allele origin: germline.
Comment: For these reasons, this variant has been classified as Pathogenic. This premature translational stop signal has been observed in individual(s) with autoimmune lymphoproliferative syndrome (PMID: 22983577). This variant is not present in population databases (ExAC no frequency). This sequence change creates a premature translational stop signal (p.Cys135Valfs*52) in the FAS gene. It is expected to result in an absent or disrupted protein product. Loss-of-function variants in FAS are known to be pathogenic (PMID: 10875918, 22237435).

Literature cited by the submitters: PubMed 22983577; PubMed 10875918; PubMed 22237435.